The following is an entry in ClinVar:

ClinVar aggregate classification (germline): Pathogenic (1 of 4 stars; one submission).

Conditions:
Bosch-Boonstra-Schaaf optic atrophy syndrome (BBSOAS). Also called: NR2F1-Related Neurodevelopmental Disorder. Identifiers: Orphanet 401777, MedGen C3810363, MONDO:0014320, OMIM 615722.

Submission:

Centre for Mendelian Genomics, University Medical Centre Ljubljana
Classification: Pathogenic for Bosch-Boonstra-Schaaf optic atrophy syndrome. Last evaluated: 2020-01-13. Review status: criteria provided, single submitter. Criteria: ACMG Guidelines, 2015. Collection method: clinical testing. Allele origin: unknown. Affected: yes.
Comment: This variant was classified as: Pathogenic. The following ACMG criteria were applied in classifying this variant: PVS1,PS2,PM2.

NM_005654.6(NR2F1):c.169C>T (p.Gln57Ter)

Genes: NR2F1-AS1 (NR2F1 regulatory antisense RNA 1; minus strand), NR2F1 (nuclear receptor subfamily 2 group F member 1; plus strand). Cytogenetic location: 5q15.
Variant type: single nucleotide variant.
Coding change: c.169C>T on transcript NM_005654.6 (MANE Select); coding-DNA position 169, C replaced by T.
Protein change: p.Gln57Ter; replaces glutamine 57 with a stop codon.
Molecular consequence: nonsense.
Genome position (GRCh38, 1-based): chr5:93,585,192, C>T. VCF-style: chr5-93585192-C-T. GRCh37 (hg19) VCF-style: chr5-92920898-C-T.
Other names: short protein forms Q57*.
Identifiers: ClinVar variation 931846 (VCV000931846.3), dbSNP rs1753208096, ClinGen allele CA360525675.
Genomic context (GRCh38, chr5:93,585,192, plus strand): 5'-GCCGGCGAGCAGCAGCAGCAGGCGGGCTCGGGCGCGCCGCACACGCCGCAGACCCCGGGC[C>T]AGCCCGGAGCGCCCGCCACCCCCGGCACGGCGGGGGACAAGGGCCAGGGCCCGCCCGGTT-3'